The following is an entry in ClinVar:

NM_015166.4(MLC1):c.152C>T (p.Thr51Met)

Gene: MLC1 (modulator of VRAC current 1; minus strand). Cytogenetic location: 22q13.33.
Variant type: single nucleotide variant.
Coding change: c.152C>T on transcript NM_015166.4 (MANE Select); coding-DNA position 152, C replaced by T.
Protein change: p.Thr51Met; replaces threonine 51 with methionine.
Molecular consequence: missense variant. On other transcripts: non-coding transcript variant (3), intron variant (1).
Genome position (GRCh38, 1-based): chr22:50,084,751, G>A on the plus strand (C>T on the coding strand, the complement: MLC1 is on the minus strand). VCF-style: chr22-50084751-G-A. GRCh37 (hg19) VCF-style: chr22-50523180-G-A.
Other names: c.152C>T, p.Thr51Met (NM_001376472.1, NM_001376473.1, NM_001376474.1 and 10 more transcripts); c.-59+604C>T (NM_001376484.1); short protein forms T51M.
Identifiers: ClinVar variation 1429159 (VCV001429159.5), dbSNP rs1291047256, ClinGen allele CA412112341.

ClinVar aggregate classification (germline): Uncertain significance (1 of 4 stars; one submission).

Allele frequency attached by ClinVar (database versions not stated): gnomAD exomes below 0.00001 and 0.00001.
gnomAD v4.1: 7 of 1,614,140 alleles (0.00043%); highest among the groups gnomAD compares: East Asian, 0.0022%; no homozygotes.

Submission:

Labcorp Genetics (formerly Invitae), Labcorp
Classification: Uncertain significance. Last evaluated: 2022-06-28. Review status: criteria provided, single submitter. Criteria: Invitae Variant Classification Sherloc (09022015). Collection method: clinical testing. Allele origin: germline.
Comment: This sequence change replaces threonine, which is neutral and polar, with methionine, which is neutral and non-polar, at codon 51 of the MLC1 protein (p.Thr51Met). This variant is present in population databases (no rsID available, gnomAD 0.0009%). This variant has not been reported in the literature in individuals affected with MLC1-related conditions. Algorithms developed to predict the effect of missense changes on protein structure and function output the following: SIFT: "Tolerated"; PolyPhen-2: "Benign"; Align-GVGD: "Class C0". The methionine amino acid residue is found in multiple mammalian species, which suggests that this missense change does not adversely affect protein function. In summary, the available evidence is currently insufficient to determine the role of this variant in disease. Therefore, it has been classified as a Variant of Uncertain Significance.